The following is an entry in ClinVar:

NM_018398.3(CACNA2D3):c.2293C>T (p.His765Tyr)

Genes: CACNA2D3 (calcium voltage-gated channel auxiliary subunit alpha2delta 3; plus strand), CACNA2D3-AS1 (CACNA2D3 antisense RNA 1; minus strand). Cytogenetic location: 3p14.3.
Variant type: single nucleotide variant.
Coding change: c.2293C>T on transcript NM_018398.3 (MANE Select); coding-DNA position 2293, C replaced by T.
Protein change: p.His765Tyr; replaces histidine 765 with tyrosine.
Molecular consequence: missense variant. On other transcripts: non-coding transcript variant (1).
Genome position (GRCh38, 1-based): chr3:54,896,795, C>T. VCF-style: chr3-54896795-C-T. GRCh37 (hg19) VCF-style: chr3-54930822-C-T.
Other names: short protein forms H765Y.
Identifiers: ClinVar variation 3030915 (VCV003030915.2), dbSNP rs1700200246, ClinGen allele CA353255005.

ClinVar aggregate classification (germline): Uncertain significance (0 of 4 stars; one submission).

Conditions:
CACNA2D3-related disorder. Also called: CACNA2D3-related condition.

Allele frequency attached by ClinVar (database versions not stated): gnomAD exomes below 0.00001; TOPMed below 0.00001.
gnomAD v4.1: 4 of 1,614,010 alleles (0.00025%); highest among the groups gnomAD compares: African/African-American, 0.0013%; no homozygotes.

Submission:

PreventionGenetics, part of Exact Sciences
Classification: Uncertain significance for CACNA2D3-related condition. Last evaluated: 2023-11-01. Review status: no assertion criteria provided. Collection method: clinical testing. Allele origin: germline.
Comment: The CACNA2D3 c.2293C>T variant is predicted to result in the amino acid substitution p.His765Tyr. To our knowledge, this variant has not been reported in the literature or in a large population database, indicating this variant is rare. At this time, the clinical significance of this variant is uncertain due to the absence of conclusive functional and genetic evidence.